The following is an entry in ClinVar:

NM_005245.4(FAT1):c.6437T>G (p.Leu2146Ter)

Gene: FAT1 (FAT atypical cadherin 1; minus strand). Cytogenetic location: 4q35.2.
Variant type: single nucleotide variant.
Coding change: c.6437T>G on transcript NM_005245.4 (MANE Select); coding-DNA position 6437, T replaced by G.
Protein change: p.Leu2146Ter; replaces leucine 2146 with a stop codon.
Molecular consequence: nonsense.
Genome position (GRCh38, 1-based): chr4:186,620,149, A>C on the plus strand (T>G on the coding strand, the complement: FAT1 is on the minus strand). VCF-style: chr4-186620149-A-C. GRCh37 (hg19) VCF-style: chr4-187541303-A-C.
Other names: short protein forms L2146*.
Identifiers: ClinVar variation 2072092 (VCV002072092.1), dbSNP rs1053599088, ClinGen allele CA112156689.
Genomic context (GRCh38, chr4:186,620,149, plus strand): 5'-GCTGAAAAGGCCGGGTTCCCTCCATCTTTTGCAACCACTGTAACAAGATATTCTTTATTT[A>C]AGGTGTCAAGCTCAAATTGCTTTTTCAGTGAAATTTCACCCAAGGGTCCAATTTGAAAGT-3'

ClinVar aggregate classification (germline): Pathogenic (1 of 4 stars; one submission).

Allele frequency attached by ClinVar (database versions not stated): TOPMed 0.00001.

Submission:

Labcorp Genetics (formerly Invitae), Labcorp
Classification: Pathogenic. Last evaluated: 2022-06-28. Review status: criteria provided, single submitter. Criteria: Invitae Variant Classification Sherloc (09022015). Collection method: clinical testing. Allele origin: germline.
Comment: This sequence change creates a premature translational stop signal (p.Leu2146*) in the FAT1 gene. It is expected to result in an absent or disrupted protein product. Loss-of-function variants in FAT1 are known to be pathogenic (PMID: 30862798). This variant is not present in population databases (gnomAD no frequency). This variant has not been reported in the literature in individuals affected with FAT1-related conditions. For these reasons, this variant has been classified as Pathogenic.

Literature cited by the submitters: PubMed 30862798.